The following is an entry in ClinVar:

ClinVar aggregate classification (germline): Pathogenic/Likely pathogenic. Review status: criteria provided, multiple submitters, no conflicts (2 of 4 stars). 9 submissions from 9 submitters: Pathogenic (6); Likely pathogenic (2). 1 of the submissions does not count toward it. Last evaluated 2026-02-01.

Conditions:
Retinitis pigmentosa 93. Identifiers: MedGen C5676970, MONDO:0030797, OMIM 619845.
Joubert syndrome 9 (JBTS9). Identifiers: Orphanet 2318, MedGen C2676788, MONDO:0012849, OMIM 612285.
COACH syndrome 2. Identifiers: MedGen C5436837, MONDO:0030859, OMIM 619111.
Meckel syndrome, type 6. Identifiers: Orphanet 564, MedGen C2676790, MONDO:0012848, OMIM 612284.
CC2D2A-related disorder. Also called: CC2D2A-related disorders; CC2D2A-related condition. Identifiers: MedGen CN239313.
Joubert syndrome. Also called: JOUBERT-BOLTSHAUSER SYNDROME; Familial aplasia of the vermis. Identifiers: Orphanet 475, MedGen C5979921, MONDO:0018772.
Meckel-Gruber syndrome. Also called: DYSENCEPHALIA SPLANCHNOCYSTICA; GRUBER SYNDROME; Dysencephalia splachnocystica. Identifiers: Orphanet 564, MedGen C0265215, MONDO:0018921.

Allele frequency attached by ClinVar (database versions not stated): gnomAD exomes 0.00002 and 0.00005; ESP Exome Variant Server 0.00008; gnomAD 0.00008 and 0.00009; ExAC 0.00009; TOPMed 0.00011; 1000 Genomes Project 0.00060; 1000 Genomes Project 30x 0.00094.
gnomAD v4.1: 45 of 1,590,166 alleles (0.0028%); highest among the groups gnomAD compares: African/African-American, 0.028%; no homozygotes.

Submissions (9):

Labcorp Genetics (formerly Invitae), Labcorp
Classification: Pathogenic for Joubert syndrome; Meckel-Gruber syndrome. Last evaluated: 2026-02-01. Review status: criteria provided, single submitter. Criteria: Invitae Variant Classification Sherloc (09022015). Collection method: clinical testing. Allele origin: germline.
Comment: This sequence change affects a donor splice site in intron 11 of the CC2D2A gene. It is expected to disrupt RNA splicing. Variants that disrupt the donor or acceptor splice site typically lead to a loss of protein function (PMID: 16199547), and loss-of-function variants in CC2D2A are known to be pathogenic (PMID: 19777577). This variant is present in population databases (rs200407856, gnomAD 0.04%). Disruption of this splice site has been observed in individual(s) with Joubert syndrome (PMID: 26092869; internal data). In at least one individual the data is consistent with being in trans (on the opposite chromosome) from a pathogenic variant. ClinVar contains an entry for this variant (Variation ID: 166801). Algorithms developed to predict the effect of sequence changes on RNA splicing suggest that this variant may disrupt the consensus splice site. For these reasons, this variant has been classified as Pathogenic.

GeneDx
Classification: Pathogenic. Last evaluated: 2025-10-06. Review status: criteria provided, single submitter. Criteria: GeneDx Variant Classification Process June 2021. Collection method: clinical testing. Allele origin: germline. Affected: yes.
Comment: Canonical splice site variant predicted to result in a null allele in a gene for which loss of function is a known mechanism of disease; This variant is associated with the following publications: (PMID: 29146704, 22848652, 28497568, 26092869, 22241855)

Fulgent Genetics
Classification: Likely pathogenic for Meckel syndrome, type 6; Joubert syndrome 9; COACH syndrome 2; Retinitis pigmentosa 93. Last evaluated: 2024-04-09. Review status: criteria provided, single submitter. Criteria: ACMG Guidelines, 2015. Collection method: clinical testing. Allele origin: germline.

Blueprint Genetics
Classification: Likely pathogenic for CC2D2A-related disorders. Last evaluated: 2024-02-20. Review status: criteria provided, single submitter. Criteria: ACMG Guidelines, 2015. Collection method: clinical testing. Allele origin: germline. Affected: yes. Observed: 5 variant alleles.

Department of Pathology and Laboratory Medicine, Sinai Health System
Classification: Pathogenic for Meckel syndrome, type 6; Joubert syndrome 9; COACH syndrome 2; Retinitis pigmentosa 93. Last evaluated: 2023-09-12. Review status: criteria provided, single submitter. Criteria: ACMG Guidelines, 2015. Collection method: research. Allele origin: germline.

Genetics and Genomic Medicine Centre, NeuroGen Healthcare, NeuroGen Healthcare
Classification: Pathogenic for Joubert syndrome 9. Last evaluated: 2020-10-20. Review status: criteria provided, single submitter. Criteria: Submitter's publication. Collection method: clinical testing. Allele origin: unknown. Affected: no.

Eurofins Ntd Llc (ga)
Classification: Pathogenic. Last evaluated: 2017-06-14. Review status: criteria provided, single submitter. Criteria: EGL Classification Definitions. Collection method: clinical testing. Allele origin: germline. Observed: 2 variant alleles, 2 heterozygotes.

UW Hindbrain Malformation Research Program, University of Washington
Classification: Pathogenic for Joubert syndrome 9. Last evaluated: 2015-02-23. Review status: criteria provided, single submitter. Criteria: Bachmann-Gagescu et al. (J Med Genet. 2015). Collection method: research. Allele origin: unknown. Affected: yes.

PreventionGenetics, part of Exact Sciences
Classification: Likely pathogenic for CC2D2A-related condition. Last evaluated: 2024-04-30. Review status: no assertion criteria provided. Collection method: clinical testing. Allele origin: germline. Not counted in ClinVar's aggregate classification.
Comment: The CC2D2A c.1017+1G>A variant is predicted to disrupt the GT donor site and interfere with normal splicing. This variant has been reported along with a second CC2D2A variant in at least one individual with Joubert syndrome (Supplemental Table S5 in Bachmann-Gagescu et al. 2015. PubMed ID: 26092869). This variant is reported in 0.031% of alleles in individuals of African descent in gnomAD. Variants that disrupt the consensus splice donor site in CC2D2A are expected to be pathogenic. This variant is interpreted as likely pathogenic.

Literature cited by the submitters: PubMed 16199547 (cited by Labcorp Genetics (formerly Invitae), Labcorp); PubMed 19777577 (cited by Labcorp Genetics (formerly Invitae), Labcorp); PubMed 26092869 (cited by Labcorp Genetics (formerly Invitae), Labcorp).

NM_001378615.1(CC2D2A):c.1017+1G>A

Genes: CC2D2A (coiled-coil and C2 domain containing 2A; plus strand), FBXL5 (F-box and leucine rich repeat protein 5; minus strand). Cytogenetic location: 4p15.32.
Variant type: single nucleotide variant.
Coding change: c.1017+1G>A on transcript NM_001378615.1 (MANE Select); the canonical splice donor site of the intron after coding-DNA position 1017, G replaced by A.
Molecular consequence: splice donor variant.
Genome position (GRCh38, 1-based): chr4:15,516,005, G>A. VCF-style: chr4-15516005-G-A. GRCh37 (hg19) VCF-style: chr4-15517628-G-A.
Other names: c.1017+1G>A (NM_001080522.2); c.870+1G>A (NM_001378617.1).
Identifiers: ClinVar variation 166801 (VCV000166801.25), dbSNP rs200407856, ClinGen allele CA210291.